The following is an entry in ClinVar:

ClinVar aggregate classification (germline): Uncertain significance (1 of 4 stars; one submission).

Submission:

GeneDx
Classification: Uncertain significance. Last evaluated: 2023-03-29. Review status: criteria provided, single submitter. Criteria: GeneDx Variant Classification Process June 2021. Collection method: clinical testing. Allele origin: germline. Affected: yes.
Comment: Not observed at significant frequency in large population cohorts (gnomAD); In silico analysis supports that this missense variant has a deleterious effect on protein structure/function; Has not been previously published as pathogenic or benign to our knowledge

NM_001281775.3(ZMYND8):c.1834T>C (p.Ser612Pro)

Gene: ZMYND8 (zinc finger MYND-type containing 8; minus strand). Cytogenetic location: 20q13.12.
Variant type: single nucleotide variant.
Coding change: c.1834T>C on transcript NM_001281775.3 (MANE Select); coding-DNA position 1834, T replaced by C.
Protein change: p.Ser612Pro; replaces serine 612 with proline.
Molecular consequence: missense variant.
Genome position (GRCh38, 1-based): chr20:47,246,458, A>G on the plus strand (T>C on the coding strand, the complement: ZMYND8 is on the minus strand). VCF-style: chr20-47246458-A-G. GRCh37 (hg19) VCF-style: chr20-45875202-A-G.
Other names: c.1759T>C, p.Ser587Pro (NM_001281771.3, NM_001281777.3, NM_001281778.3 and 2 more transcripts); c.1774T>C, p.Ser592Pro (NM_001281772.3, NM_001281773.3, NM_001281774.3 and 1 more transcripts); c.1834T>C, p.Ser612Pro (NM_001281776.3, NM_001281783.3, NM_012408.6 and 1 more transcripts); c.1030T>C, p.Ser344Pro (NM_001281779.3, NM_001281780.3); c.1618T>C, p.Ser540Pro (NM_001281781.3, NM_001281784.3); c.1855T>C, p.Ser619Pro (NM_001363714.1); short protein forms S344P, S540P, S587P, S592P, S612P, S619P.
Identifiers: ClinVar variation 2582139 (VCV002582139.1), dbSNP rs2517005402, ClinGen allele CA409285801.
Genomic context (GRCh38, chr20:47,246,458, plus strand): 5'-TCTTAGACTTCTGCTCATCATCACTGATATACTCACTATCGCTACTATCTGACTTCTCAG[A>G]ATCCTCCGAATCGCTGTGCTCTACGGCCGTATAGACATCTTCCGAGATTTCATTTATGCC-3'
Protein context (NP_001268704.1, residues 602-622): TAVEHSDSED[Ser612Pro]EKSDSSDSEY